The following is an entry in ClinVar:

NM_022072.5(NSUN3):c.1010C>T (p.Thr337Ile)

Gene: NSUN3 (NOP2/Sun RNA methyltransferase 3; plus strand). Cytogenetic location: 3q11.2.
Variant type: single nucleotide variant.
Coding change: c.1010C>T on transcript NM_022072.5 (MANE Select); coding-DNA position 1010, C replaced by T.
Protein change: p.Thr337Ile; replaces threonine 337 with isoleucine.
Molecular consequence: missense variant.
Genome position (GRCh38, 1-based): chr3:94,126,477, C>T. VCF-style: chr3-94126477-C-T. GRCh37 (hg19) VCF-style: chr3-93845321-C-T.
Other names: short protein forms T337I.
Identifiers: ClinVar variation 2772516 (VCV002772516.3), dbSNP rs2472229518, ClinGen allele CA353706179.

ClinVar aggregate classification (germline): Uncertain significance (1 of 4 stars; one submission).

Allele frequency attached by ClinVar (database versions not stated): gnomAD exomes below 0.00001.
gnomAD v4.1: 1 of 1,606,922 alleles (0.000062%); highest among the groups gnomAD compares: Non-Finnish European, 0.000085%; no homozygotes.

Submission:

Labcorp Genetics (formerly Invitae), Labcorp
Classification: Uncertain significance. Last evaluated: 2024-04-10. Review status: criteria provided, single submitter. Criteria: Invitae Variant Classification Sherloc (09022015). Collection method: clinical testing. Allele origin: germline.
Comment: This sequence change replaces threonine, which is neutral and polar, with isoleucine, which is neutral and non-polar, at codon 337 of the NSUN3 protein (p.Thr337Ile). This variant is not present in population databases (gnomAD no frequency). This variant has not been reported in the literature in individuals affected with NSUN3-related conditions. Algorithms developed to predict the effect of missense changes on protein structure and function output the following: SIFT: "Not Available"; PolyPhen-2: "Benign"; Align-GVGD: "Not Available". The isoleucine amino acid residue is found in multiple mammalian species, which suggests that this missense change does not adversely affect protein function. In summary, the available evidence is currently insufficient to determine the role of this variant in disease. Therefore, it has been classified as a Variant of Uncertain Significance.